The following is an entry in ClinVar:

ClinVar aggregate classification (germline): Uncertain significance (1 of 4 stars; one submission).

gnomAD v4.1: 6 of 1,613,096 alleles (0.00037%); highest among the groups gnomAD compares: Non-Finnish European, 0.00051%; no homozygotes.

Submission:

Labcorp Genetics (formerly Invitae), Labcorp
Classification: Uncertain significance. Last evaluated: 2022-05-11. Review status: criteria provided, single submitter. Criteria: Invitae Variant Classification Sherloc (09022015). Collection method: clinical testing. Allele origin: germline.
Comment: This sequence change replaces arginine, which is basic and polar, with proline, which is neutral and non-polar, at codon 942 of the ELP1 protein (p.Arg942Pro). In summary, the available evidence is currently insufficient to determine the role of this variant in disease. Therefore, it has been classified as a Variant of Uncertain Significance. Algorithms developed to predict the effect of missense changes on protein structure and function are either unavailable or do not agree on the potential impact of this missense change (SIFT: "Tolerated"; PolyPhen-2: "Probably Damaging"; Align-GVGD: "Class C0"). This variant has not been reported in the literature in individuals affected with ELP1-related conditions. This variant is present in population databases (rs149845612, gnomAD 0.002%).

NM_003640.5(ELP1):c.2825G>C (p.Arg942Pro)

Gene: ELP1 (elongator acetyltransferase complex subunit 1; minus strand). Cytogenetic location: 9q31.3.
Variant type: single nucleotide variant.
Coding change: c.2825G>C on transcript NM_003640.5 (MANE Select); coding-DNA position 2825, G replaced by C.
Protein change: p.Arg942Pro; replaces arginine 942 with proline.
Molecular consequence: missense variant.
Genome position (GRCh38, 1-based): chr9:108,893,978, C>G on the plus strand (G>C on the coding strand, the complement: ELP1 is on the minus strand). VCF-style: chr9-108893978-C-G. GRCh37 (hg19) VCF-style: chr9-111656258-C-G.
Other names: c.2483G>C, p.Arg828Pro (NM_001318360.2); c.1778G>C, p.Arg593Pro (NM_001330749.2); short protein forms R942P, R593P, R828P.
Identifiers: ClinVar variation 1923893 (VCV001923893.5), dbSNP rs149845612, ClinGen allele CA5174527.
Genomic context (GRCh38, chr9:108,893,978, plus strand): 5'-TAAACATACTAATCCCCACACTTACCACATTTGCTGAGGTGGCCAATGGCTTTTTCATAT[C>G]GTTTCAAGTATTTGTCTATAGTAAACCGCTGATAATTAGTTTCCATTTTCTTAAGTGTAT-3'
Protein context (NP_003631.2, residues 932-952): QRFTIDKYLK[Arg942Pro]YEKAIGHLSK